The following is an entry in ClinVar:

ClinVar aggregate classification (germline): Benign (0 of 4 stars; one submission).

Conditions:
DNAH6-related disorder. Also called: DNAH6-related condition.

Allele frequency attached by ClinVar (database versions not stated): 1000 Genomes Project 0.00659; 1000 Genomes Project 30x 0.00734.
gnomAD v4.1: 2,505 of 1,559,620 alleles (0.16%); highest among the groups gnomAD compares: South Asian, 2.9%; 71 homozygotes.

Submission:

PreventionGenetics, part of Exact Sciences
Classification: Benign for DNAH6-related condition. Last evaluated: 2019-05-07. Review status: no assertion criteria provided. Collection method: clinical testing. Allele origin: germline.
Comment: This variant is classified as benign based on ACMG/AMP sequence variant interpretation guidelines (Richards et al. 2015 PMID: 25741868, with internal and published modifications).

NM_001370.2(DNAH6):c.1924+9T>G

Gene: DNAH6 (dynein axonemal heavy chain 6; plus strand). Cytogenetic location: 2p11.2.
Variant type: single nucleotide variant.
Coding change: c.1924+9T>G on transcript NM_001370.2 (MANE Select); 9 bases into the intron after coding-DNA position 1924, T replaced by G.
Molecular consequence: intron variant.
Genome position (GRCh38, 1-based): chr2:84,573,596, T>G. VCF-style: chr2-84573596-T-G. GRCh37 (hg19) VCF-style: chr2-84800720-T-G.
Identifiers: ClinVar variation 3041922 (VCV003041922.2), dbSNP rs200771885, ClinGen allele CA1736806.